The following is an entry in ClinVar:

NM_001999.4(FBN2):c.1456A>T (p.Thr486Ser)

Gene: FBN2 (fibrillin 2; minus strand). Cytogenetic location: 5q23.3.
Variant type: single nucleotide variant.
Coding change: c.1456A>T on transcript NM_001999.4 (MANE Select); coding-DNA position 1456, A replaced by T.
Protein change: p.Thr486Ser; replaces threonine 486 with serine.
Molecular consequence: missense variant.
Genome position (GRCh38, 1-based): chr5:128,393,144, T>A on the plus strand (A>T on the coding strand, the complement: FBN2 is on the minus strand). VCF-style: chr5-128393144-T-A. GRCh37 (hg19) VCF-style: chr5-127728837-T-A.
Other names: short protein forms T486S.
Identifiers: ClinVar variation 2883632 (VCV002883632.3), dbSNP rs1331121523, ClinGen allele CA360748866.

ClinVar aggregate classification (germline): Uncertain significance (1 of 4 stars; one submission).

Conditions:
Congenital contractural arachnodactyly (CCA). Also called: BEALS SYNDROME; Arthrogryposis, distal, type 9; Beals-Hecht syndrome. Identifiers: Orphanet 115, MedGen C0220668, MONDO:0007363, OMIM 121050.

Allele frequency attached by ClinVar (database versions not stated): gnomAD 0.00001; gnomAD exomes 0.00001.
gnomAD v4.1: 13 of 1,612,958 alleles (0.00081%); highest among the groups gnomAD compares: Non-Finnish European, 0.001%; no homozygotes.

Submission:

Labcorp Genetics (formerly Invitae), Labcorp
Classification: Uncertain significance for Congenital contractural arachnodactyly. Last evaluated: 2023-10-05. Review status: criteria provided, single submitter. Criteria: Invitae Variant Classification Sherloc (09022015). Collection method: clinical testing. Allele origin: germline.
Comment: This sequence change replaces threonine, which is neutral and polar, with serine, which is neutral and polar, at codon 486 of the FBN2 protein (p.Thr486Ser). This variant is present in population databases (no rsID available, gnomAD 0.0009%). This variant has not been reported in the literature in individuals affected with FBN2-related conditions. Advanced modeling of protein sequence and biophysical properties (such as structural, functional, and spatial information, amino acid conservation, physicochemical variation, residue mobility, and thermodynamic stability) performed at Invitae indicates that this missense variant is not expected to disrupt FBN2 protein function. In summary, the available evidence is currently insufficient to determine the role of this variant in disease. Therefore, it has been classified as a Variant of Uncertain Significance.